The following is an entry in ClinVar:

ClinVar aggregate classification (germline): Conflicting classifications of pathogenicity. Review status: criteria provided, conflicting classifications (1 of 4 stars). 3 submissions from 3 submitters: Uncertain significance (2); Likely benign (1). Last evaluated 2024-02-03.

Conditions:
Megalencephalic leukoencephalopathy with subcortical cysts 1 (MLC1). Also called: LEUKOENCEPHALOPATHY WITH SWELLING AND CYSTS; VACUOLATING MEGALENCEPHALIC LEUKOENCEPHALOPATHY WITH SUBCORTICAL CYSTS. Identifiers: Orphanet 2478, MedGen C5779875, MONDO:0024555, OMIM 604004.

Allele frequency attached by ClinVar (database versions not stated): ExAC 0.00012; 1000 Genomes Project 30x 0.00062; 1000 Genomes Project 0.00080.

Submissions (3):

Blueprint Genetics
Classification: Likely benign. Last evaluated: 2024-02-03. Review status: criteria provided, single submitter. Criteria: ACMG Guidelines, 2015. Collection method: clinical testing. Allele origin: germline.

Labcorp Genetics (formerly Invitae), Labcorp
Classification: Uncertain significance. Last evaluated: 2021-09-02. Review status: criteria provided, single submitter. Criteria: Invitae Variant Classification Sherloc (09022015). Collection method: clinical testing. Allele origin: germline.
Comment: This sequence change replaces alanine with threonine at codon 32 of the MLC1 protein (p.Ala32Thr). The alanine residue is weakly conserved and there is a small physicochemical difference between alanine and threonine. This variant is present in population databases (rs193115579, ExAC 0.1%). This variant has not been reported in the literature in individuals affected with MLC1-related conditions. Algorithms developed to predict the effect of missense changes on protein structure and function output the following: SIFT: "Tolerated"; PolyPhen-2: "Benign"; Align-GVGD: "Class C0". The threonine amino acid residue is found in multiple mammalian species, which suggests that this missense change does not adversely affect protein function. In summary, the available evidence is currently insufficient to determine the role of this variant in disease. Therefore, it has been classified as a Variant of Uncertain Significance.

Juno Genomics, Hangzhou Juno Genomics, Inc
Classification: Uncertain significance for Megalencephalic leukoencephalopathy with subcortical cysts 1. Review status: criteria provided, single submitter. Criteria: ACMG Guidelines, 2015. Collection method: clinical testing. Allele origin: germline.
Comment: Absent from controls (or at extremely low frequency if recessive) in Genome Aggregation Database.

NM_015166.4(MLC1):c.94G>A (p.Ala32Thr)

Gene: MLC1 (modulator of VRAC current 1; minus strand). Cytogenetic location: 22q13.33.
Variant type: single nucleotide variant.
Coding change: c.94G>A on transcript NM_015166.4 (MANE Select); coding-DNA position 94, G replaced by A.
Protein change: p.Ala32Thr; replaces alanine 32 with threonine.
Molecular consequence: missense variant. On other transcripts: non-coding transcript variant (3), intron variant (1).
Genome position (GRCh38, 1-based): chr22:50,084,809, C>T on the plus strand (G>A on the coding strand, the complement: MLC1 is on the minus strand). VCF-style: chr22-50084809-C-T. GRCh37 (hg19) VCF-style: chr22-50523238-C-T.
Other names: c.94G>A, p.Ala32Thr (NM_001376472.1, NM_001376473.1, NM_001376474.1 and 10 more transcripts); c.-59+546G>A (NM_001376484.1); short protein forms A32T.
Identifiers: ClinVar variation 2075423 (VCV002075423.4), dbSNP rs193115579, ClinGen allele CA10303684.